The following is an entry in ClinVar:

NM_004281.4(BAG3):c.666G>C (p.Gln222His)

Gene: BAG3 (BAG cochaperone 3; plus strand). Cytogenetic location: 10q26.11.
Variant type: single nucleotide variant.
Coding change: c.666G>C on transcript NM_004281.4 (MANE Select); coding-DNA position 666, G replaced by C.
Protein change: p.Gln222His; replaces glutamine 222 with histidine.
Molecular consequence: missense variant.
Genome position (GRCh38, 1-based): chr10:119,672,413, G>C. VCF-style: chr10-119672413-G-C. GRCh37 (hg19) VCF-style: chr10-121431925-G-C.
Other names: short protein forms Q222H.
Identifiers: ClinVar variation 4782980 (VCV004782980.1).
Genomic context (GRCh38, chr10:119,672,413, plus strand): 5'-GCGGGGGTACATCTCCATTCCGGTGATACACGAGCAGAACGTTACCCGGCCAGCAGCCCA[G>C]CCCTCCTTCCACCAAGCCCAGAAGACGCACTACCCAGCGCAGCAGGGGGAGTACCAGACC-3'
Protein context (NP_004272.2, residues 212-232): HEQNVTRPAA[Gln222His]PSFHQAQKTH

ClinVar aggregate classification (germline): Uncertain significance (1 of 4 stars; one submission).

Conditions:
Dilated cardiomyopathy 1HH (CMD1HH). Identifiers: Orphanet 154, MedGen C3151293, MONDO:0013479, OMIM 613881.
Myofibrillar myopathy 6. Identifiers: Orphanet 199340, MedGen C2751831, MONDO:0013061, OMIM 612954.

Submission:

Labcorp Genetics (formerly Invitae), Labcorp
Classification: Uncertain significance for Dilated cardiomyopathy 1HH; Myofibrillar myopathy 6. Last evaluated: 2025-10-21. Review status: criteria provided, single submitter. Criteria: Invitae Variant Classification Sherloc (09022015). Collection method: clinical testing. Allele origin: germline.
Comment: This sequence change replaces glutamine, which is neutral and polar, with histidine, which is basic and polar, at codon 222 of the BAG3 protein (p.Gln222His). This variant is not present in population databases (gnomAD no frequency). This variant has not been reported in the literature in individuals affected with BAG3-related conditions. Invitae Evidence Modeling of protein sequence and biophysical properties (such as structural, functional, and spatial information, amino acid conservation, physicochemical variation, residue mobility, and thermodynamic stability) indicates that this missense variant is not expected to disrupt BAG3 protein function with a negative predictive value of 80%. In summary, the available evidence is currently insufficient to determine the role of this variant in disease. Therefore, it has been classified as a Variant of Uncertain Significance.